The following is an entry in ClinVar:

NM_000368.5(TSC1):c.1809G>A (p.Pro603=)

Gene: TSC1 (TSC complex subunit 1; minus strand). Cytogenetic location: 9q34.13.
Variant type: single nucleotide variant.
Coding change: c.1809G>A on transcript NM_000368.5 (MANE Select); coding-DNA position 1809, G replaced by A.
Protein change: p.Pro603=; no amino-acid change (proline 603 retained).
Molecular consequence: synonymous variant.
Genome position (GRCh38, 1-based): chr9:132,905,769, C>T on the plus strand (G>A on the coding strand, the complement: TSC1 is on the minus strand). VCF-style: chr9-132905769-C-T. GRCh37 (hg19) VCF-style: chr9-135781156-C-T.
Other names: c.1806G>A, p.Pro602= (NM_001162426.2); c.1656G>A, p.Pro552= (NM_001162427.2); c.1446G>A, p.Pro482= (NM_001362177.2).
Identifiers: ClinVar variation 534488 (VCV000534488.23), dbSNP rs112434645, ClinGen allele CA029889.
Genomic context (GRCh38, chr9:132,905,769, plus strand): 5'-CTTCCTGATGACAAAATGATGGGCTGTCTTTGGCAATGCCACCTCAAAAAGATGATCATA[C>T]GGGGGAGGCTGCCCGCTTCCAAAGCCCACTCTCGTCGGAGGTGGAATTTTACAAGGACTG-3'
Protein context (NP_000359.1, residues 593-613): RVGFGSGQPP[Pro603=]YDHLFEVALP

ClinVar aggregate classification (germline): Benign/Likely benign. Review status: criteria provided, multiple submitters, no conflicts (2 of 4 stars). 9 submissions from 9 submitters: Benign (2); Likely benign (7). Last evaluated 2026-09-01.

Conditions:
Hereditary cancer-predisposing syndrome. Also called: Hereditary Cancer Syndrome; Neoplastic Syndromes, Hereditary; Hereditary neoplastic syndrome; Tumor predisposition. Identifiers: Orphanet 140162, MedGen C0027672, MeSH D009386, MONDO:0015356.
Tuberous sclerosis 1 (TSC1). Identifiers: Orphanet 805, MedGen C1854465, MONDO:0008612, OMIM 191100.
Tuberous sclerosis syndrome (TSC). Also called: Tuberous Sclerosis Complex; Tuberous sclerosis. Identifiers: Orphanet 805, MedGen C0041341, MONDO:0001734.

Allele frequency attached by ClinVar (database versions not stated): gnomAD exomes 0.00001; TOPMed 0.00001; ExAC 0.00002; ESP Exome Variant Server 0.00008.

Submissions (9):

CeGaT Center for Human Genetics Tuebingen
Classification: Likely benign. Last evaluated: 2026-09-01. Review status: criteria provided, single submitter. Criteria: CeGaT Center For Human Genetics Tuebingen Variant Classification Criteria Version 2. Collection method: clinical testing. Allele origin: germline. Affected: yes. Observed: 1 variant allele.
Comment: TSC1: BP4, BP7

Labcorp Genetics (formerly Invitae), Labcorp
Classification: Likely benign for Tuberous sclerosis 1. Last evaluated: 2025-12-24. Review status: criteria provided, single submitter. Criteria: Invitae Variant Classification Sherloc (09022015). Collection method: clinical testing. Allele origin: germline.

Women's Health and Genetics/Laboratory Corporation of America, LabCorp
Classification: Likely benign. Last evaluated: 2025-10-05. Review status: criteria provided, single submitter. Criteria: LabCorp Variant Classification Summary - May 2015. Collection method: clinical testing. Allele origin: germline.

Myriad Genetics, Inc.
Classification: Benign for Tuberous sclerosis 1. Last evaluated: 2025-04-10. Review status: criteria provided, single submitter. Criteria: Myriad Autosomal Dominant, Autosomal Recessive and X-Linked Classification Criteria (2023). Collection method: clinical testing. Allele origin: unknown.
Comment: This variant is considered benign. This variant is a silent/synonymous amino acid change and it is not expected to impact splicing.

All of Us Research Program, National Institutes of Health
Classification: Likely benign for Tuberous sclerosis syndrome. Last evaluated: 2023-10-23. Review status: criteria provided, single submitter. Criteria: ACMG Guidelines, 2015. Collection method: clinical testing. Allele origin: germline. Inheritance: Autosomal dominant inheritance. Observed: 1 variant allele, 1 heterozygote.
Comment: This study involves interpretation of variants in research participants for the purpose of population health screening. Participant phenotype was not available at the time of variant classification. Additional details can be found in publication PMID: 35346344, PMCID: PMC8962531

Color Diagnostics, LLC DBA Color Health
Classification: Likely benign for Tuberous sclerosis syndrome. Last evaluated: 2022-11-06. Review status: criteria provided, single submitter. Criteria: ACMG Guidelines, 2015. Collection method: clinical testing. Allele origin: germline.

Sema4
Classification: Likely benign for Hereditary cancer-predisposing syndrome. Last evaluated: 2022-01-13. Review status: criteria provided, single submitter. Criteria: Sema4 Curation Guidelines. Collection method: curation. Allele origin: germline.

Genome-Nilou Lab
Classification: Benign for Tuberous sclerosis 1. Last evaluated: 2021-11-07. Review status: criteria provided, single submitter. Criteria: ACMG Guidelines, 2015. Collection method: clinical testing. Allele origin: germline. Affected: no.

Ambry Genetics
Classification: Likely benign for Hereditary cancer-predisposing syndrome. Last evaluated: 2019-03-27. Review status: criteria provided, single submitter. Criteria: Ambry Variant Classification Scheme 2023. Collection method: clinical testing. Allele origin: germline.